The following is an entry in ClinVar:

ClinVar aggregate classification (germline): Pathogenic (1 of 4 stars; one submission).

Conditions:
Short-rib thoracic dysplasia 11 with or without polydactyly (SRTD11). Also called: SHORT-RIB THORACIC DYSPLASIA 11 WITHOUT POLYDACTYLY. Identifiers: Orphanet 474, Orphanet 93271, MedGen C3810200, MONDO:0014287, OMIM 615633.

Submission:

Labcorp Genetics (formerly Invitae), Labcorp
Classification: Pathogenic for Short-rib thoracic dysplasia 11 with or without polydactyly. Last evaluated: 2022-03-04. Review status: criteria provided, single submitter. Criteria: Invitae Variant Classification Sherloc (09022015). Collection method: clinical testing. Allele origin: germline.
Comment: For these reasons, this variant has been classified as Pathogenic. This sequence change creates a premature translational stop signal (p.Thr151Profs*41) in the WDR34 gene. It is expected to result in an absent or disrupted protein product. Loss-of-function variants in WDR34 are known to be pathogenic (PMID: 24183449, 24183451, 28379358). This variant is not present in population databases (gnomAD no frequency). This variant has not been reported in the literature in individuals affected with WDR34-related conditions.

Literature cited by the submitters: PubMed 24183449; PubMed 24183451; PubMed 28379358.

NM_052844.4(DYNC2I2):c.447_448del (p.Thr151fs)

Gene: DYNC2I2 (dynein 2 intermediate chain 2; minus strand). Cytogenetic location: 9q34.11.
Variant type: Deletion.
Coding change: c.447_448del on transcript NM_052844.4 (MANE Select); coding-DNA positions 447 to 448, 2 bases deleted (GT; older notation c.447_448delGT).
Protein change: p.Thr151fs; shifts the reading frame from threonine 151.
Molecular consequence: frameshift variant.
Genome position (GRCh38, 1-based): chr9:128,637,015-128,637,016, AC deleted on the plus strand (GT on the coding strand, the reverse complement: DYNC2I2 is on the minus strand); deleting any 2 consecutive bases within chr9:128,637,015-128,637,017 gives the same sequence; the c. name uses the placement nearest the transcript's 3' end. VCF-style (leftmost placement, unchanged base first): chr9-128637014-TAC-T. GRCh37 (hg19) VCF-style: chr9-131399293-TAC-T.
Other names: short protein forms T151fs.
Identifiers: ClinVar variation 1911444 (VCV001911444.5), dbSNP rs1860428100, ClinGen allele CA1880373934.